The following is an entry in ClinVar:

NM_000465.4(BARD1):c.1570A>C (p.Asn524His)

Gene: BARD1 (BRCA1 associated RING domain 1; minus strand). Cytogenetic location: 2q35.
Variant type: single nucleotide variant.
Coding change: c.1570A>C on transcript NM_000465.4 (MANE Select); coding-DNA position 1570, A replaced by C.
Protein change: p.Asn524His; replaces asparagine 524 with histidine.
Molecular consequence: missense variant. On other transcripts: non-coding transcript variant (3), intron variant (1).
Genome position (GRCh38, 1-based): chr2:214,752,554, T>G on the plus strand (A>C on the coding strand, the complement: BARD1 is on the minus strand). VCF-style: chr2-214752554-T-G. GRCh37 (hg19) VCF-style: chr2-215617278-T-G.
Other names: c.1513A>C, p.Asn505His (NM_001282543.2); c.217A>C, p.Asn73His (NM_001282545.2); c.160A>C, p.Asn54His (NM_001282548.2); c.365-22046A>C (NM_001282549.2); c.1570A>C (NM_000465.2); short protein forms N505H, N54H, N524H, N73H.
Identifiers: ClinVar variation 2700952 (VCV002700952.4), dbSNP rs2469379284, ClinGen allele CA350455063.

ClinVar aggregate classification (germline): Uncertain significance. Review status: criteria provided, multiple submitters, no conflicts (2 of 4 stars). 2 submissions from 2 submitters: Uncertain significance (2). Last evaluated 2025-03-14.

Conditions:
Hereditary cancer-predisposing syndrome. Also called: Neoplastic Syndromes, Hereditary; Tumor predisposition; Hereditary neoplastic syndrome; Hereditary Cancer Syndrome. Identifiers: Orphanet 140162, MedGen C0027672, MeSH D009386, MONDO:0015356.
Familial cancer of breast. Also called: hereditary breast carcinoma; Hereditary breast cancer; BREAST CANCER, FAMILIAL. Identifiers: Orphanet 227535, MedGen C0346153, MONDO:0016419, OMIM 114480. Disease mechanism: loss of function.

Submissions (2):

Ambry Genetics
Classification: Uncertain significance for Hereditary cancer-predisposing syndrome. Last evaluated: 2025-03-14. Review status: criteria provided, single submitter. Criteria: Ambry Variant Classification Scheme 2023. Collection method: clinical testing. Allele origin: germline.
Comment: The p.N524H variant (also known as c.1570A>C), located in coding exon 7 of the BARD1 gene, results from an A to C substitution at nucleotide position 1570. The asparagine at codon 524 is replaced by histidine, an amino acid with similar properties. This amino acid position is conserved. In addition, the in silico prediction for this alteration is inconclusive. Based on the available evidence, the clinical significance of this variant remains unclear.

Labcorp Genetics (formerly Invitae), Labcorp
Classification: Uncertain significance for Familial cancer of breast. Last evaluated: 2023-12-05. Review status: criteria provided, single submitter. Criteria: Invitae Variant Classification Sherloc (09022015). Collection method: clinical testing. Allele origin: germline.
Comment: This sequence change replaces asparagine, which is neutral and polar, with histidine, which is basic and polar, at codon 524 of the BARD1 protein (p.Asn524His). This variant is not present in population databases (gnomAD no frequency). This variant has not been reported in the literature in individuals affected with BARD1-related conditions. An algorithm developed to predict the effect of missense changes on protein structure and function (PolyPhen-2) suggests that this variant is likely to be disruptive. In summary, the available evidence is currently insufficient to determine the role of this variant in disease. Therefore, it has been classified as a Variant of Uncertain Significance.